The following is an entry in ClinVar:

NM_206943.4(LTBP1):c.234G>A (p.Gly78=)

Gene: LTBP1 (latent transforming growth factor beta binding protein 1; plus strand). Cytogenetic location: 2p22.3.
Variant type: single nucleotide variant.
Coding change: c.234G>A on transcript NM_206943.4 (MANE Select); coding-DNA position 234, G replaced by A.
Protein change: p.Gly78=; no amino-acid change (glycine 78 retained).
Molecular consequence: synonymous variant.
Genome position (GRCh38, 1-based): chr2:32,947,558, G>A. VCF-style: chr2-32947558-G-A. GRCh37 (hg19) VCF-style: chr2-33172625-G-A.
Other names: c.234G>A, p.Gly78= (NM_001394905.1).
Identifiers: ClinVar variation 5039729 (VCV005039729.1).

ClinVar aggregate classification (germline): Likely benign (1 of 4 stars; one submission).

Submission:

CeGaT Center for Human Genetics Tuebingen
Classification: Likely benign. Last evaluated: 2026-08-01. Review status: criteria provided, single submitter. Criteria: CeGaT Center For Human Genetics Tuebingen Variant Classification Criteria Version 2. Collection method: clinical testing. Allele origin: germline. Affected: yes. Observed: 1 variant allele.
Comment: LTBP1: PM2:Supporting, BP4, BP7